The following is an entry in ClinVar:

NM_033629.6(TREX1):c.541_544dup (p.Ile182fs)

Genes: ATRIP (ATR interacting protein; plus strand), ATRIP-TREX1 (ATRIP-TREX1 readthrough; plus strand), TREX1 (three prime repair exonuclease 1; plus strand). Cytogenetic location: 3p21.31.
Variant type: Duplication.
Coding change: c.541_544dup on transcript NM_033629.6 (MANE Select); coding-DNA positions 541 to 544, 4 bases duplicated (AGCA; older notation c.541_544dupAGCA).
Protein change: p.Ile182fs; shifts the reading frame from isoleucine 182.
Molecular consequence: frameshift variant. On other transcripts: non-coding transcript variant (1), 3 prime UTR variant (4).
Genome position (GRCh38, 1-based): chr3:48,467,196-48,467,199, AGCA duplicated. VCF-style (leftmost placement, unchanged base first): chr3-48467195-C-CAGCA. GRCh37 (hg19) VCF-style: chr3-48508594-C-CAGCA.
Other names: c.511_514dup, p.Ile172fs (NM_007248.5); c.*1642_*1645dup (NM_001271022.2, NM_001271023.2, NM_032166.4 and 1 more transcripts); short protein forms I172fs, I182fs.
Identifiers: ClinVar variation 1711574 (VCV001711574.32), dbSNP rs2530041997, ClinGen allele CA2580070080.

ClinVar aggregate classification (germline): Likely pathogenic. Review status: criteria provided, multiple submitters, no conflicts (2 of 4 stars). 3 submissions from 3 submitters: Likely pathogenic (3). Last evaluated 2023-02-23.

Conditions:
TREX1-related disorder. Also called: TREX1-related condition; TREX1-related disorders. Identifiers: MedGen CN239414.
Aicardi-Goutieres syndrome 1. Also called: CREE ENCEPHALITIS; ENCEPHALOPATHY, FAMILIAL INFANTILE, WITH INTRACRANIAL CALCIFICATION AND CHRONIC CEREBROSPINAL FLUID LYMPHOCYTOSIS; PSEUDOTOXOPLASMOSIS SYNDROME. Identifiers: Orphanet 51, MedGen C0796126, MONDO:0009165, OMIM 225750.

Submissions (3):

3billion
Classification: Likely pathogenic for Aicardi-Goutieres syndrome 1. Last evaluated: 2023-02-23. Review status: criteria provided, single submitter. Criteria: ACMG Guidelines, 2015. Collection method: clinical testing. Allele origin: unknown. Affected: yes.
Comment: The variant is not observed in the gnomAD v2.1.1 dataset. This variant was predicted to result in a loss or disruption of normal protein function through protein truncation. The predicted truncated protein may be shortened by more than 10%. Therefore, this variant is classified as Likely pathogenic according to the recommendation of ACMG/AMP guideline.

CeGaT Center for Human Genetics Tuebingen
Classification: Likely pathogenic. Last evaluated: 2022-09-01. Review status: criteria provided, single submitter. Criteria: CeGaT Center For Human Genetics Tuebingen Variant Classification Criteria Version 2. Collection method: clinical testing. Allele origin: germline. Affected: yes. Observed: 1 variant allele.
Comment: TREX1: PVS1:Strong, PM2

Blueprint Genetics
Classification: Likely pathogenic for TREX1-related disorders. Last evaluated: 2022-01-11. Review status: criteria provided, single submitter. Criteria: ACMG Guidelines, 2015. Collection method: clinical testing. Allele origin: germline. Affected: yes. Observed: 2 variant alleles.